The following is an entry in ClinVar:

NM_001114753.3(ENG):c.-111G>A

Gene: ENG (endoglin; minus strand). Cytogenetic location: 9q34.11.
Variant type: single nucleotide variant.
Coding change: c.-111G>A on transcript NM_001114753.3 (MANE Select); 111 bases upstream of the start codon, G replaced by A.
Molecular consequence: 5 prime UTR variant.
Genome position (GRCh38, 1-based): chr9:127,854,466, C>T on the plus strand (G>A on the coding strand, the complement: ENG is on the minus strand). VCF-style: chr9-127854466-C-T. GRCh37 (hg19) VCF-style: chr9-130616745-C-T.
Other names: c.-111G>A (NM_000118.4, NM_001406715.1).
Identifiers: ClinVar variation 2132754 (VCV002132754.1), dbSNP rs2131936865, ClinGen allele CA2580079595.

ClinVar aggregate classification (germline): Uncertain significance (1 of 4 stars; one submission).

Conditions:
Hereditary hemorrhagic telangiectasia (HHT). Also called: ORW DISEASE; Osler Weber Rendu syndrome; OSLER-RENDU-WEBER DISEASE; Osler hemorrhagic telangiectasia syndrome. Identifiers: Orphanet 774, MedGen C0039445, MONDO:0019180. Disease mechanism: loss of function.

Allele frequency attached by ClinVar (database versions not stated): gnomAD exomes 0.00001.

Submission:

Labcorp Genetics (formerly Invitae), Labcorp
Classification: Uncertain significance for Hereditary hemorrhagic telangiectasia. Last evaluated: 2022-10-09. Review status: criteria provided, single submitter. Criteria: Invitae Variant Classification Sherloc (09022015). Collection method: clinical testing. Allele origin: germline.
Comment: This variant occurs in a non-coding region of the ENG gene. It does not change the encoded amino acid sequence of the ENG protein. This variant is not present in population databases (gnomAD no frequency). This variant has not been reported in the literature in individuals affected with ENG-related conditions. Experimental studies and prediction algorithms are not available or were not evaluated, and the functional significance of this variant is currently unknown. In summary, the available evidence is currently insufficient to determine the role of this variant in disease. Therefore, it has been classified as a Variant of Uncertain Significance.